The following is an entry in ClinVar:

NM_020937.4(FANCM):c.2097A>C (p.Glu699Asp)

Gene: FANCM (FA complementation group M; plus strand). Cytogenetic location: 14q21.2.
Variant type: single nucleotide variant.
Coding change: c.2097A>C on transcript NM_020937.4 (MANE Select); coding-DNA position 2097, A replaced by C.
Protein change: p.Glu699Asp; replaces glutamic acid 699 with aspartic acid.
Molecular consequence: missense variant.
Genome position (GRCh38, 1-based): chr14:45,170,683, A>C. VCF-style: chr14-45170683-A-C. GRCh37 (hg19) VCF-style: chr14-45639886-A-C.
Other names: c.2019A>C, p.Glu673Asp (NM_001308133.2); short protein forms E673D, E699D.
Identifiers: ClinVar variation 4254610 (VCV004254610.1).
Genomic context (GRCh38, chr14:45,170,683, plus strand): 5'-CTTATCAGAAGAAGAATTTAAATTATGGAACAGACTTTATAGATTAAGGGACAGTGATGA[A>C]ATTAAAGAGATAACATTGCCTCAAGTTCAGTTTTCTTCTTTACAAAATGAGGAAAACAAA-3'
Protein context (NP_065988.1, residues 689-709): NRLYRLRDSD[Glu699Asp]IKEITLPQVQ

ClinVar aggregate classification (germline): Uncertain significance (1 of 4 stars; one submission).

Conditions:
Inborn genetic diseases. Identifiers: MedGen C0950123, MeSH D030342.

Submission:

Ambry Genetics
Classification: Uncertain significance for Inborn genetic diseases. Last evaluated: 2025-07-24. Review status: criteria provided, single submitter. Criteria: Ambry Variant Classification Scheme 2023. Collection method: clinical testing. Allele origin: germline.
Comment: The p.E699D variant (also known as c.2097A>C), located in coding exon 12 of the FANCM gene, results from an A to C substitution at nucleotide position 2097. The glutamic acid at codon 699 is replaced by aspartic acid, an amino acid with highly similar properties. This amino acid position is conserved. In addition, this alteration is predicted to be tolerated by in silico analysis. Based on the available evidence, the clinical significance of this variant remains unclear.